The following is an entry in ClinVar:

ClinVar aggregate classification (germline): Likely benign (1 of 4 stars; one submission).

Conditions:
RAD23B-related disorder. Also called: RAD23B-related condition.

gnomAD v4.1: 6 of 1,606,646 alleles (0.00037%); highest among the groups gnomAD compares: Admixed American, 0.0086%; no homozygotes.

Submission:

PreventionGenetics, part of Exact Sciences
Classification: Likely benign for RAD23B-related condition. Last evaluated: 2025-02-13. Review status: criteria provided, single submitter. Criteria: ACMG Guidelines, 2015. Collection method: clinical testing. Allele origin: germline.
Comment: This variant is classified as likely benign based on ACMG/AMP sequence variant interpretation guidelines (Richards et al. 2015 PMID: 25741868, with internal and published modifications).

NM_002874.5(RAD23B):c.687C>T (p.Ile229=)

Gene: RAD23B (RAD23 nucleotide excision repair protein B; plus strand). Cytogenetic location: 9q31.2.
Variant type: single nucleotide variant.
Coding change: c.687C>T on transcript NM_002874.5 (MANE Select); coding-DNA position 687, C replaced by T.
Protein change: p.Ile229=; no amino-acid change (isoleucine 229 retained).
Molecular consequence: synonymous variant.
Genome position (GRCh38, 1-based): chr9:107,321,988, C>T. VCF-style: chr9-107321988-C-T. GRCh37 (hg19) VCF-style: chr9-110084269-C-T.
Other names: c.624C>T, p.Ile208= (NM_001244713.1); c.471C>T, p.Ile157= (NM_001244724.2).
Identifiers: ClinVar variation 4977416 (VCV004977416.1).